The following is an entry in ClinVar:

ClinVar aggregate classification (germline): Uncertain significance. Review status: criteria provided, multiple submitters, no conflicts (2 of 4 stars). 3 submissions from 3 submitters: Uncertain significance (3). Last evaluated 2024-10-01.

Conditions:
Combined immunodeficiency and megaloblastic anemia with or without hyperhomocysteinemia. Also called: METHYLENETETRAHYDROFOLATE DEHYDROGENASE 1 DEFICIENCY; COMBINED IMMUNODEFICIENCY AND MEGALOBLASTIC ANEMIA. Identifiers: Orphanet 658813, MedGen C4540434, MONDO:0060611, OMIM 617780.
Inborn genetic diseases. Identifiers: MedGen C0950123, MeSH D030342.

Allele frequency attached by ClinVar (database versions not stated): gnomAD exomes below 0.00001; TOPMed 0.00001.
gnomAD v4.1: 10 of 1,614,174 alleles (0.00062%); highest among the groups gnomAD compares: East Asian, 0.0022%; no homozygotes.

Submissions (3):

Revvity Omics, Revvity
Classification: Uncertain significance for Combined immunodeficiency and megaloblastic anemia with or without hyperhomocysteinemia. Last evaluated: 2024-10-01. Review status: criteria provided, single submitter. Criteria: ACMG Guidelines, 2015. Collection method: clinical testing. Allele origin: germline.

Ambry Genetics
Classification: Uncertain significance for Inborn genetic diseases. Last evaluated: 2022-04-07. Review status: criteria provided, single submitter. Criteria: Ambry Variant Classification Scheme 2023. Collection method: clinical testing. Allele origin: germline.

Labcorp Genetics (formerly Invitae), Labcorp
Classification: Uncertain significance. Last evaluated: 2022-04-06. Review status: criteria provided, single submitter. Criteria: Invitae Variant Classification Sherloc (09022015). Collection method: clinical testing. Allele origin: germline.
Comment: This sequence change replaces valine, which is neutral and non-polar, with methionine, which is neutral and non-polar, at codon 783 of the MTHFD1 protein (p.Val783Met). This variant is present in population databases (no rsID available, gnomAD 0.0009%). This variant has not been reported in the literature in individuals affected with MTHFD1-related conditions. Algorithms developed to predict the effect of missense changes on protein structure and function are either unavailable or do not agree on the potential impact of this missense change (SIFT: "Deleterious"; PolyPhen-2: "Probably Damaging"; Align-GVGD: "Class C0"). In summary, the available evidence is currently insufficient to determine the role of this variant in disease. Therefore, it has been classified as a Variant of Uncertain Significance.

NM_005956.4(MTHFD1):c.2347G>A (p.Val783Met)

Genes: MTHFD1 (methylenetetrahydrofolate dehydrogenase, cyclohydrolase and formyltetrahydrofolate synthetase 1; plus strand), ZBTB25 (zinc finger and BTB domain containing 25; minus strand). Cytogenetic location: 14q23.3.
Variant type: single nucleotide variant.
Coding change: c.2347G>A on transcript NM_005956.4 (MANE Select); coding-DNA position 2347, G replaced by A.
Protein change: p.Val783Met; replaces valine 783 with methionine.
Molecular consequence: missense variant. On other transcripts: 3 prime UTR variant (1).
Genome position (GRCh38, 1-based): chr14:64,449,512, G>A. VCF-style: chr14-64449512-G-A. GRCh37 (hg19) VCF-style: chr14-64916230-G-A.
Other names: c.2347G>A, p.Val783Met (NM_001364837.1); c.*39C>T (NM_001304508.1); short protein forms V783M.
Identifiers: ClinVar variation 1951427 (VCV001951427.4), dbSNP rs1029133044, ClinGen allele CA261853754.
Genomic context (GRCh38, chr14:64,449,512, plus strand): 5'-ACAGAGTCTGAGCTGGACCTCATCAGCCGCCTTTCCAGAGAACATGGGGCTTTTGATGCC[G>A]TGAAGTGCACTCACTGGGCAGAAGGGGGCAAGGGTGCCTTAGCCCTGGCTCAGGCCGTCC-3'
Protein context (NP_005947.3, residues 773-793): LSREHGAFDA[Val783Met]KCTHWAEGGK